The following is an entry in ClinVar:

ClinVar aggregate classification (germline): Uncertain significance (1 of 4 stars; one submission).

Conditions:
Alstrom syndrome (ALMS). Identifiers: Orphanet 64, MedGen C0268425, MONDO:0008763, OMIM 203800.

Allele frequency attached by ClinVar (database versions not stated): gnomAD exomes below 0.00001.
gnomAD v4.1: 2 of 1,614,012 alleles (0.00012%); highest among the groups gnomAD compares: Non-Finnish European, 0.00017%; no homozygotes.

Submission:

Labcorp Genetics (formerly Invitae), Labcorp
Classification: Uncertain significance for Alstrom syndrome. Last evaluated: 2022-08-07. Review status: criteria provided, single submitter. Criteria: Invitae Variant Classification Sherloc (09022015). Collection method: clinical testing. Allele origin: germline.
Comment: This sequence change replaces histidine, which is basic and polar, with arginine, which is basic and polar, at codon 2046 of the ALMS1 protein (p.His2046Arg). This variant is not present in population databases (gnomAD no frequency). This variant has not been reported in the literature in individuals affected with ALMS1-related conditions. Experimental studies and prediction algorithms are not available or were not evaluated, and the functional significance of this variant is currently unknown. In summary, the available evidence is currently insufficient to determine the role of this variant in disease. Therefore, it has been classified as a Variant of Uncertain Significance.

NM_001378454.1(ALMS1):c.6134A>G (p.His2045Arg)

Gene: ALMS1 (ALMS1 centrosome and basal body associated protein; plus strand). Cytogenetic location: 2p13.1.
Variant type: single nucleotide variant.
Coding change: c.6134A>G on transcript NM_001378454.1 (MANE Select); coding-DNA position 6134, A replaced by G.
Protein change: p.His2045Arg; replaces histidine 2045 with arginine.
Molecular consequence: missense variant.
Genome position (GRCh38, 1-based): chr2:73,452,661, A>G. VCF-style: chr2-73452661-A-G. GRCh37 (hg19) VCF-style: chr2-73679788-A-G.
Other names: c.6137A>G, p.His2046Arg (NM_015120.4); short protein forms H2045R, H2046R.
Identifiers: ClinVar variation 2421106 (VCV002421106.3), dbSNP rs1451363386, ClinGen allele CA347285038.